The following is an entry in ClinVar:

ClinVar aggregate classification (germline): Uncertain significance (1 of 4 stars; one submission).

Submission:

Labcorp Genetics (formerly Invitae), Labcorp
Classification: Uncertain significance. Last evaluated: 2025-11-04. Review status: criteria provided, single submitter. Criteria: Invitae Variant Classification Sherloc (09022015). Collection method: clinical testing. Allele origin: germline.
Comment: This sequence change replaces tyrosine, which is neutral and polar, with cysteine, which is neutral and slightly polar, at codon 3694 of the MACF1 protein (p.Tyr3694Cys). This variant is not present in population databases (gnomAD no frequency). This variant has not been reported in the literature in individuals affected with MACF1-related conditions. An algorithm developed to predict the effect of missense changes on protein structure and function (PolyPhen-2) suggests that this variant is likely to be disruptive. In summary, the available evidence is currently insufficient to determine the role of this variant in disease. Therefore, it has been classified as a Variant of Uncertain Significance.

NM_001394062.1(MACF1):c.17267A>G (p.Tyr5756Cys)

Gene: MACF1 (microtubule actin crosslinking factor 1; plus strand). Cytogenetic location: 1p34.3.
Variant type: single nucleotide variant.
Coding change: c.17267A>G on transcript NM_001394062.1 (MANE Select); coding-DNA position 17267, A replaced by G.
Protein change: p.Tyr5756Cys; replaces tyrosine 5756 with cysteine.
Molecular consequence: missense variant.
Genome position (GRCh38, 1-based): chr1:39,430,838, A>G. VCF-style: chr1-39430838-A-G. GRCh37 (hg19) VCF-style: chr1-39896510-A-G.
Other names: c.5336A>G, p.Tyr1779Cys (NM_001397473.1); c.11081A>G, p.Tyr3694Cys (NM_012090.5); short protein forms Y1779C, Y3694C, Y5756C.
Identifiers: ClinVar variation 4724813 (VCV004724813.1).
Genomic context (GRCh38, chr1:39,430,838, plus strand): 5'-TGGTGCCCTGGAGAGCCAGAGAAGGGCTGGATAAACTTGTGTCCGATGCTAACGAGCAGT[A>G]CAAACTAGTCAGTGACACTATTGGACAAAGGGTGGATGAAATTGATGCTGCTATTCAGAG-3'
Protein context (NP_001380991.1, residues 5746-5766): DKLVSDANEQ[Tyr5756Cys]KLVSDTIGQR